The following is an entry in ClinVar:

NM_022455.5(NSD1):c.3975T>C (p.Ala1325=)

Gene: NSD1 (nuclear receptor binding SET domain protein 1; plus strand). Cytogenetic location: 5q35.3.
Variant type: single nucleotide variant.
Coding change: c.3975T>C on transcript NM_022455.5 (MANE Select); coding-DNA position 3975, T replaced by C.
Protein change: p.Ala1325=; no amino-acid change (alanine 1325 retained).
Molecular consequence: synonymous variant.
Genome position (GRCh38, 1-based): chr5:177,238,290, T>C. VCF-style: chr5-177238290-T-C. GRCh37 (hg19) VCF-style: chr5-176665291-T-C.
Other names: c.3102T>C, p.Ala1034= (NM_001365684.2, NM_001409306.1, NM_001409307.1 and 3 more transcripts); c.3975T>C, p.Ala1325= (NM_001409301.1, NM_001409302.1, NM_001409303.1); c.3555T>C, p.Ala1185= (NM_001409304.1); c.3222T>C, p.Ala1074= (NM_001409305.1).
Identifiers: ClinVar variation 2656108 (VCV002656108.24), dbSNP rs2480590204, ClinGen allele CA447724789.

ClinVar aggregate classification (germline): Uncertain significance (1 of 4 stars; one submission).

Submission:

CeGaT Center for Human Genetics Tuebingen
Classification: Uncertain significance. Last evaluated: 2022-04-01. Review status: criteria provided, single submitter. Criteria: CeGaT Center For Human Genetics Tuebingen Variant Classification Criteria Version 2. Collection method: clinical testing. Allele origin: germline. Affected: yes. Observed: 1 variant allele.
Comment: NSD1: PM2:Supporting, BP4